The following is an entry in ClinVar:

NM_003482.4(KMT2D):c.2141C>A (p.Ser714Ter)

Gene: KMT2D (lysine methyltransferase 2D; minus strand). Cytogenetic location: 12q13.12.
Variant type: single nucleotide variant.
Coding change: c.2141C>A on transcript NM_003482.4 (MANE Select); coding-DNA position 2141, C replaced by A.
Protein change: p.Ser714Ter; replaces serine 714 with a stop codon.
Molecular consequence: nonsense.
Genome position (GRCh38, 1-based): chr12:49,051,542, G>T on the plus strand (C>A on the coding strand, the complement: KMT2D is on the minus strand). VCF-style: chr12-49051542-G-T. GRCh37 (hg19) VCF-style: chr12-49445325-G-T.
Other names: short protein forms S714*.
Identifiers: ClinVar variation 523867 (VCV000523867.2), dbSNP rs747636808, ClinGen allele CA384668238.

ClinVar aggregate classification (germline): Pathogenic (1 of 4 stars; one submission).

Submission:

GeneDx
Classification: Pathogenic. Last evaluated: 2018-04-23. Review status: criteria provided, single submitter. Criteria: GeneDx Variant Classification (06012015). Collection method: clinical testing. Allele origin: germline. Affected: yes.
Comment: The S714X variant in the KMT2D gene has not been reported previously as a pathogenic variant nor as a benign variant, to our knowledge. This variant is predicted to cause loss of normal protein function either through protein truncation or nonsense-mediated mRNA decay. The S714X variant is not observed in large population cohorts (Lek et al., 2016). We interpret S714X as a pathogenic variant.